The following is an entry in ClinVar:

NM_001379500.1(COL18A1):c.107-12515C>T

Gene: COL18A1 (collagen type XVIII alpha 1 chain; plus strand). Cytogenetic location: 21q22.3.
Variant type: single nucleotide variant.
Coding change: c.107-12515C>T on transcript NM_001379500.1 (MANE Select); 12515 bases into the intron before coding-DNA position 107, C replaced by T.
Molecular consequence: intron variant. On other transcripts: missense variant (2).
Genome position (GRCh38, 1-based): chr21:45,455,727, C>T. VCF-style: chr21-45455727-C-T. GRCh37 (hg19) VCF-style: chr21-46875641-C-T.
Other names: c.197C>T, p.Pro66Leu (NM_030582.4, NM_130444.3); c.197C>T (NM_030582.3); short protein forms P66L.
Identifiers: ClinVar variation 1349849 (VCV001349849.5), dbSNP rs2145851355, ClinGen allele CA410505338.

ClinVar aggregate classification (germline): Uncertain significance. Review status: criteria provided, multiple submitters, no conflicts (2 of 4 stars). 3 submissions from 3 submitters: Uncertain significance (2). 1 of the submissions does not count toward it. Last evaluated 2025-02-05.

Conditions:
COL18A1-related disorder. Also called: COL18A1-related condition; COL18A1-related disorders.

Submissions (3):

Women's Health and Genetics/Laboratory Corporation of America, LabCorp
Classification: Uncertain significance. Last evaluated: 2025-02-05. Review status: criteria provided, single submitter. Criteria: LabCorp Variant Classification Summary - May 2015. Collection method: clinical testing. Allele origin: germline.
Comment: Variant summary: COL18A1 c.107-12515C>T is located at a position not widely known to affect splicing. The COL18A1 gene has multiple clinically relevant transcripts. This variant is also known as c.197C>T, p.Pro66Leu in NM130444.3 . Consensus agreement among computation tools predict no significant impact on normal splicing. However, these predictions have yet to be confirmed by functional studies. The variant was absent in 249380 control chromosomes. The available data on variant occurrences in the general population are insufficient to allow any conclusion about variant significance. To our knowledge, no occurrence of c.107-12515C>T in individuals affected with Knobloch Syndrome 1 and no experimental evidence demonstrating its impact on protein function have been reported. ClinVar contains an entry for this variant (Variation ID: 1349849). Based on the evidence outlined above, the variant was classified as uncertain significance.

Labcorp Genetics (formerly Invitae), Labcorp
Classification: Uncertain significance. Last evaluated: 2022-03-16. Review status: criteria provided, single submitter. Criteria: Invitae Variant Classification Sherloc (09022015). Collection method: clinical testing. Allele origin: germline.
Comment: The COL18A1 gene has multiple clinically relevant transcripts. This variant occurs in alternate transcript NM_030582.4, and corresponds to NM_130445.3:c.107-12515C>T in the primary transcript. This sequence change replaces proline, which is neutral and non-polar, with leucine, which is neutral and non-polar, at codon 66 of the COL18A1 protein (p.Pro66Leu). This variant is not present in population databases (gnomAD no frequency). This variant has not been reported in the literature in individuals affected with COL18A1-related conditions. Experimental studies and prediction algorithms are not available or were not evaluated, and the functional significance of this variant is currently unknown. In summary, the available evidence is currently insufficient to determine the role of this variant in disease. Therefore, it has been classified as a Variant of Uncertain Significance.

PreventionGenetics, part of Exact Sciences
Classification: Uncertain significance for COL18A1-related condition. Last evaluated: 2024-09-17. Review status: no assertion criteria provided. Collection method: clinical testing. Allele origin: germline. Not counted in ClinVar's aggregate classification.
Comment: The COL18A1 c.197C>T variant is predicted to result in the amino acid substitution p.Pro66Leu. To our knowledge, this variant has not been reported in the literature or in a large population database, indicating this variant is rare. At this time, the clinical significance of this variant is uncertain due to the absence of conclusive functional and genetic evidence.